The following is an entry in ClinVar:

ClinVar aggregate classification (germline): Conflicting classifications of pathogenicity. Review status: criteria provided, conflicting classifications (1 of 4 stars). 4 submissions from 4 submitters: Likely pathogenic (1); Uncertain significance (3). Last evaluated 2025-12-30.

Conditions:
Primary ciliary dyskinesia 3. Identifiers: Orphanet 244, MedGen C1837618, MONDO:0012085, OMIM 608644.
Primary ciliary dyskinesia. Also called: Ciliary dyskinesia. Identifiers: Orphanet 244, MedGen C0008780, MONDO:0016575, HP:0012265.

Allele frequency attached by ClinVar (database versions not stated): gnomAD exomes 0.00002 and 0.00006; gnomAD 0.00003; TOPMed 0.00006; ExAC 0.00007.
gnomAD v4.1: 31 of 1,613,702 alleles (0.0019%); highest among the groups gnomAD compares: East Asian, 0.031%; no homozygotes.

Submissions (4):

Myriad Genetics, Inc.
Classification: Uncertain significance for Primary ciliary dyskinesia 3. Last evaluated: 2025-12-30. Review status: criteria provided, single submitter. Criteria: Myriad Autosomal Dominant, Autosomal Recessive and X-Linked Classification Criteria (2023). Collection method: clinical testing. Allele origin: unknown.
Comment: NM_001369.2(DNAH5):c.12380G>A(R4127H) is a missense variant classified as a variant of uncertain significance in the context of primary ciliary dyskinesia, DNAH5-related. R4127H has not been observed in cases with relevant disease. Relevant functional assessments of this variant are not available in the literature. R4127H has been observed in referenced population frequency databases. In summary, there is insufficient evidence to classify NM_001369.2(DNAH5):c.12380G>A(R4127H) as pathogenic or benign. Please note: this variant was assessed in the context of healthy population screening.

Labcorp Genetics (formerly Invitae), Labcorp
Classification: Likely pathogenic for Primary ciliary dyskinesia. Last evaluated: 2024-09-11. Review status: criteria provided, single submitter. Criteria: Invitae Variant Classification Sherloc (09022015). Collection method: clinical testing. Allele origin: germline.
Comment: This sequence change replaces arginine, which is basic and polar, with histidine, which is basic and polar, at codon 4127 of the DNAH5 protein (p.Arg4127His). This variant is present in population databases (rs762555871, gnomAD 0.07%). This missense change has been observed in individual(s) with clinical features of primary ciliary dyskinesia (internal data). In at least one individual the data is consistent with being in trans (on the opposite chromosome) from a pathogenic variant. ClinVar contains an entry for this variant (Variation ID: 1506945). Invitae Evidence Modeling of protein sequence and biophysical properties (such as structural, functional, and spatial information, amino acid conservation, physicochemical variation, residue mobility, and thermodynamic stability) indicates that this missense variant is not expected to disrupt DNAH5 protein function with a negative predictive value of 95%. This variant disrupts the p.Arg4127 amino acid residue in DNAH5. Other variant(s) that disrupt this residue have been observed in individuals with DNAH5-related conditions (internal data), which suggests that this may be a clinically significant amino acid residue. In summary, the currently available evidence indicates that the variant is pathogenic, but additional data are needed to prove that conclusively. Therefore, this variant has been classified as Likely Pathogenic.

Blueprint Genetics
Classification: Uncertain significance. Last evaluated: 2024-03-19. Review status: criteria provided, single submitter. Criteria: ACMG Guidelines, 2015. Collection method: clinical testing. Allele origin: germline.

GeneDx
Classification: Uncertain significance. Last evaluated: 2022-11-09. Review status: criteria provided, single submitter. Criteria: GeneDx Variant Classification Process June 2021. Collection method: clinical testing. Allele origin: germline. Affected: yes.
Comment: In silico analysis supports that this missense variant has a deleterious effect on protein structure/function; Has not been previously published as pathogenic or benign to our knowledge

NM_001369.3(DNAH5):c.12380G>A (p.Arg4127His)

Gene: DNAH5 (dynein axonemal heavy chain 5; minus strand). Cytogenetic location: 5p15.2.
Variant type: single nucleotide variant.
Coding change: c.12380G>A on transcript NM_001369.3 (MANE Select); coding-DNA position 12380, G replaced by A.
Protein change: p.Arg4127His; replaces arginine 4127 with histidine.
Molecular consequence: missense variant.
Genome position (GRCh38, 1-based): chr5:13,719,001, C>T on the plus strand (G>A on the coding strand, the complement: DNAH5 is on the minus strand). VCF-style: chr5-13719001-C-T. GRCh37 (hg19) VCF-style: chr5-13719110-C-T.
Other names: c.12380G>A (NM_001369.2); short protein forms R4127H.
Identifiers: ClinVar variation 1506945 (VCV001506945.9), dbSNP rs762555871, ClinGen allele CA3201656.